The following is an entry in ClinVar:

NM_000138.5(FBN1):c.*2153A>G

Gene: FBN1 (fibrillin 1; minus strand). Cytogenetic location: 15q21.1.
Variant type: single nucleotide variant.
Coding change: c.*2153A>G on transcript NM_000138.5 (MANE Select); 2153 bases downstream of the stop codon, A replaced by G.
Molecular consequence: 3 prime UTR variant.
Genome position (GRCh38, 1-based): chr15:48,408,837, T>C on the plus strand (A>G on the coding strand, the complement: FBN1 is on the minus strand). VCF-style: chr15-48408837-T-C. GRCh37 (hg19) VCF-style: chr15-48701034-T-C.
Identifiers: ClinVar variation 316311 (VCV000316311.6), dbSNP rs116443051, ClinGen allele CA10636119.

ClinVar aggregate classification (germline): Benign/Likely benign. Review status: criteria provided, multiple submitters, no conflicts (2 of 4 stars). 8 submissions from 2 submitters: Benign (6); Likely benign (2). Last evaluated 2021-06-10.

Conditions:
Stiff skin syndrome (SSKS). Identifiers: Orphanet 2833, MedGen C1861456, MONDO:0008492, OMIM 184900.
Marfan syndrome (MFS). Also called: Marfan syndrome type 1; Marfan's syndrome; MARFAN SYNDROME, TYPE I; Marfan syndrome, classic; FBN1-Related Marfan Syndrome. Identifiers: Orphanet 284963, Orphanet 558, MedGen C0024796, MONDO:0007947, OMIM 154700.
Geleophysic dysplasia. Identifiers: Orphanet 2623, MedGen C3489726, MONDO:0000127.
Familial thoracic aortic aneurysm and aortic dissection (TAAD). Also called: Thoracic aortic aneurysms and dissections. Identifiers: Orphanet 91387, MedGen C4707243, MONDO:0019625.
Acromicric dysplasia (ACMICD). Also called: Acromicric skeletal dysplasia. Identifiers: Orphanet 969, MedGen C0265287, MONDO:0007055, OMIM 102370.
Ectopia lentis 1, isolated, autosomal dominant (ECTOL1). Identifiers: Orphanet 1885, MedGen C3541518, MONDO:0007514, OMIM 129600.
Weill-Marchesani syndrome. Also called: WM Syndrome; Mesodermal dysmorphodystrophy congenital. Identifiers: Orphanet 3449, MedGen C0265313, MONDO:0018096.

Allele frequency attached by ClinVar (database versions not stated): gnomAD 0.00601 and 0.00654; TOPMed 0.00679; 1000 Genomes Project 30x 0.00578; 1000 Genomes Project 0.00619.

Submissions (8):

GeneDx
Classification: Likely benign. Last evaluated: 2021-06-10. Review status: criteria provided, single submitter. Criteria: GeneDx Variant Classification Process June 2021. Collection method: clinical testing. Allele origin: germline. Affected: yes.

Illumina Laboratory Services, Illumina
Classification: Benign for Geleophysic dysplasia. Last evaluated: 2018-01-12. Review status: criteria provided, single submitter. Criteria: ICSL Variant Classification Criteria 13 December 2019. Collection method: clinical testing. Allele origin: germline.
Comment: This variant was observed in the ICSL laboratory as part of a predisposition screen in an ostensibly healthy population. It had not been previously curated by ICSL or reported in the Human Gene Mutation Database (HGMD: prior to June 1st, 2018), and was therefore a candidate for classification through an automated scoring system. Utilizing variant allele frequency, disease prevalence and penetrance estimates, and inheritance mode, an automated score was calculated to assess if this variant is too frequent to cause the disease. Based on the score and internal cut-off values, a variant classified as benign is not then subjected to further curation. The score for this variant resulted in a classification of benign for this disease.

Illumina Laboratory Services, Illumina
Classification: Benign for Marfan syndrome. Last evaluated: 2018-01-12. Review status: criteria provided, single submitter. Criteria: ICSL Variant Classification Criteria 13 December 2019. Collection method: clinical testing. Allele origin: germline.
Comment: the same text as in the submission from Illumina Laboratory Services, Illumina above.

Illumina Laboratory Services, Illumina
Classification: Benign for Weill-Marchesani syndrome. Last evaluated: 2018-01-12. Review status: criteria provided, single submitter. Criteria: ICSL Variant Classification Criteria 13 December 2019. Collection method: clinical testing. Allele origin: germline.
Comment: the same text as in the submission from Illumina Laboratory Services, Illumina above.

Illumina Laboratory Services, Illumina
Classification: Benign for Stiff skin syndrome. Last evaluated: 2018-01-12. Review status: criteria provided, single submitter. Criteria: ICSL Variant Classification Criteria 13 December 2019. Collection method: clinical testing. Allele origin: germline.
Comment: the same text as in the submission from Illumina Laboratory Services, Illumina above.

Illumina Laboratory Services, Illumina
Classification: Benign for Ectopia lentis 1, isolated, autosomal dominant. Last evaluated: 2018-01-12. Review status: criteria provided, single submitter. Criteria: ICSL Variant Classification Criteria 13 December 2019. Collection method: clinical testing. Allele origin: germline.
Comment: the same text as in the submission from Illumina Laboratory Services, Illumina above.

Illumina Laboratory Services, Illumina
Classification: Benign for Acromicric dysplasia. Last evaluated: 2018-01-12. Review status: criteria provided, single submitter. Criteria: ICSL Variant Classification Criteria 13 December 2019. Collection method: clinical testing. Allele origin: germline.
Comment: the same text as in the submission from Illumina Laboratory Services, Illumina above.

Illumina Laboratory Services, Illumina
Classification: Likely benign for Familial thoracic aortic aneurysm and aortic dissection. Last evaluated: 2018-01-12. Review status: criteria provided, single submitter. Criteria: ICSL Variant Classification Criteria 13 December 2019. Collection method: clinical testing. Allele origin: germline.
Comment: This variant was observed in the ICSL laboratory as part of a predisposition screen in an ostensibly healthy population. It had not been previously curated by ICSL or reported in the Human Gene Mutation Database (HGMD: prior to June 1st, 2018), and was therefore a candidate for classification through an automated scoring system. Utilizing variant allele frequency, disease prevalence and penetrance estimates, and inheritance mode, an automated score was calculated to assess if this variant is too frequent to cause the disease. Based on the score and internal cut-off values, a variant classified as likely benign is not then subjected to further curation. The score for this variant resulted in a classification of likely benign for this disease.